The following is an entry in ClinVar:

ClinVar aggregate classification (germline): Uncertain significance (1 of 4 stars; one submission).

Submission:

Labcorp Genetics (formerly Invitae), Labcorp
Classification: Uncertain significance. Last evaluated: 2022-09-27. Review status: criteria provided, single submitter. Criteria: Invitae Variant Classification Sherloc (09022015). Collection method: clinical testing. Allele origin: germline.
Comment: This sequence change replaces leucine, which is neutral and non-polar, with isoleucine, which is neutral and non-polar, at codon 298 of the CLUAP1 protein (p.Leu298Ile). This variant is not present in population databases (gnomAD no frequency). This variant has not been reported in the literature in individuals affected with CLUAP1-related conditions. Advanced modeling of protein sequence and biophysical properties (such as structural, functional, and spatial information, amino acid conservation, physicochemical variation, residue mobility, and thermodynamic stability) performed at Invitae indicates that this missense variant is not expected to disrupt CLUAP1 protein function. In summary, the available evidence is currently insufficient to determine the role of this variant in disease. Therefore, it has been classified as a Variant of Uncertain Significance.

NM_015041.3(CLUAP1):c.892C>A (p.Leu298Ile)

Gene: CLUAP1 (clusterin associated protein 1; plus strand). Cytogenetic location: 16p13.3.
Variant type: single nucleotide variant.
Coding change: c.892C>A on transcript NM_015041.3 (MANE Select); coding-DNA position 892, C replaced by A.
Protein change: p.Leu298Ile; replaces leucine 298 with isoleucine.
Molecular consequence: missense variant.
Genome position (GRCh38, 1-based): chr16:3,526,448, C>A. VCF-style: chr16-3526448-C-A. GRCh37 (hg19) VCF-style: chr16-3576448-C-A.
Other names: c.892C>A, p.Leu298Ile (NM_001330454.2); c.394C>A, p.Leu132Ile (NM_024793.3); short protein forms L132I, L298I.
Identifiers: ClinVar variation 1720435 (VCV001720435.5), dbSNP rs2543989909, ClinGen allele CA394514805.